The following is an entry in ClinVar:

NM_198578.4(LRRK2):c.3405C>A (p.Asn1135Lys)

Gene: LRRK2 (leucine rich repeat kinase 2; plus strand). Cytogenetic location: 12q12.
Variant type: single nucleotide variant.
Coding change: c.3405C>A on transcript NM_198578.4 (MANE Select); coding-DNA position 3405, C replaced by A.
Protein change: p.Asn1135Lys; replaces asparagine 1135 with lysine.
Molecular consequence: missense variant.
Genome position (GRCh38, 1-based): chr12:40,299,166, C>A. VCF-style: chr12-40299166-C-A. GRCh37 (hg19) VCF-style: chr12-40692968-C-A.
Other names: short protein forms N1135K.
Identifiers: ClinVar variation 2587262 (VCV002587262.2), dbSNP rs200441201, ClinGen allele CA384415664.

ClinVar aggregate classification (germline): Uncertain significance (1 of 4 stars; one submission).

Conditions:
Inborn genetic diseases. Identifiers: MedGen C0950123, MeSH D030342.

Submission:

Ambry Genetics
Classification: Uncertain significance for Inborn genetic diseases. Last evaluated: 2023-07-15. Review status: criteria provided, single submitter. Criteria: Ambry Variant Classification Scheme 2023. Collection method: clinical testing. Allele origin: germline.
Comment: The p.N1135K variant (also known as c.3405C>A), located in coding exon 25 of the LRRK2 gene, results from a C to A substitution at nucleotide position 3405. The asparagine at codon 1135 is replaced by lysine, an amino acid with similar properties. This amino acid position is conserved. In addition, this alteration is predicted to be tolerated by in silico analysis. Since supporting evidence is limited at this time, the clinical significance of this alteration remains unclear.